The following is an entry in ClinVar:

ClinVar aggregate classification (germline): Conflicting classifications of pathogenicity. Review status: criteria provided, conflicting classifications (1 of 4 stars). 2 submissions from 2 submitters: Likely pathogenic (1); Uncertain significance (1). Last evaluated 2023-01-26.

Conditions:
Peroxisome biogenesis disorder 2B (PBD2B). Identifiers: Orphanet 44, MedGen C3550234, MONDO:0008736, OMIM 202370.

Allele frequency attached by ClinVar (database versions not stated): gnomAD exomes below 0.00001; TOPMed below 0.00001.
gnomAD v4.1: 1 of 1,614,154 alleles (0.000062%); highest among the groups gnomAD compares: Admixed American, 0.0017%; no homozygotes.

Submissions (2):

Labcorp Genetics (formerly Invitae), Labcorp
Classification: Uncertain significance for Peroxisome biogenesis disorder 2B. Last evaluated: 2023-01-26. Review status: criteria provided, single submitter. Criteria: Invitae Variant Classification Sherloc (09022015). Collection method: clinical testing. Allele origin: germline.
Comment: This sequence change falls in intron 15 of the PEX5 gene. It does not directly change the encoded amino acid sequence of the PEX5 protein. It affects a nucleotide within the consensus splice site. In summary, the available evidence is currently insufficient to determine the role of this variant in disease. Therefore, it has been classified as a Variant of Uncertain Significance. Variants that disrupt the consensus splice site are a relatively common cause of aberrant splicing (PMID: 17576681, 9536098). Algorithms developed to predict the effect of sequence changes on RNA splicing suggest that this variant may disrupt the consensus splice site. ClinVar contains an entry for this variant (Variation ID: 427165). This variant has not been reported in the literature in individuals affected with PEX5-related conditions. This variant is present in population databases (no rsID available, gnomAD 0.003%).

GeneDx
Classification: Likely pathogenic. Last evaluated: 2015-05-07. Review status: criteria provided, single submitter. Criteria: GeneDx Variant Classification (06012015). Collection method: clinical testing. Allele origin: germline. Affected: yes.
Comment: The c.1718+5G>A variant in the PEX5 gene has not been reported previously as a disease-causing variant nor as a benign polymorphism, to our knowledge. This variant was not observed in approximately 6,500 individuals of European and African American ancestry in the NHLBI Exome Sequencing Project, indicating it is not a common benign variant in these populations. This variant is predicted to damage or destroy the natural splice donor site of intron 15, which may cause abnormal gene splicing. However, in the absence of RNA/functional studies, the actual effect of this sequence change in this individual is unknown. Therefore c.1718+5G>A is a strong candidate for a disease-causing variant, however the possibility it may be a rare benign variant cannot be excluded

Literature cited by the submitters: PubMed 17576681 (cited by Labcorp Genetics (formerly Invitae), Labcorp); PubMed 9536098 (cited by Labcorp Genetics (formerly Invitae), Labcorp).

NM_001351132.2(PEX5):c.1718+5G>A

Gene: PEX5 (peroxisomal biogenesis factor 5; plus strand). Cytogenetic location: 12p13.31.
Variant type: single nucleotide variant.
Coding change: c.1718+5G>A on transcript NM_001351132.2 (MANE Select); 5 bases into the intron after coding-DNA position 1718, G replaced by A.
Molecular consequence: intron variant.
Genome position (GRCh38, 1-based): chr12:7,209,845, G>A. VCF-style: chr12-7209845-G-A. GRCh37 (hg19) VCF-style: chr12-7362441-G-A.
Other names: c.1607+5G>A (NM_001351124.3, NM_001351126.2, NM_001374646.1 and 7 more transcripts); c.1718+5G>A (NM_001131026.2, NM_001351131.2, NM_001374647.2 and 4 more transcripts); c.1583+5G>A (NM_001374649.2, NM_001351140.2, NM_001351139.2); c.1652+5G>A (NM_001351135.3, NM_001351138.2); c.1763+5G>A (NM_001131023.2); c.1709+5G>A (NM_001351136.2); c.1694+5G>A (NM_000319.5).
Identifiers: ClinVar variation 427165 (VCV000427165.6), dbSNP rs1085307998, ClinGen allele CA603488602.